The following is an entry in ClinVar:

ClinVar aggregate classification (germline): Uncertain significance (1 of 4 stars; one submission).

Conditions:
Autosomal dominant nocturnal frontal lobe epilepsy 5. Also called: KCNT1-Related Epilepsy; CILIARY DYSKINESIA, PRIMARY, 28, WITH SITUS INVERSUS; CILIARY DYSKINESIA, PRIMARY, 28, WITHOUT SITUS INVERSUS; Epilepsy, nocturnal frontal lobe, 5. Identifiers: Orphanet 98784, MedGen C3554306, MONDO:0014002, OMIM 615005.
Developmental and epileptic encephalopathy, 14 (DEE14). Also called: Early infantile epileptic encephalopathy 14. Identifiers: Orphanet 293181, MedGen C3554195, MONDO:0013989, OMIM 614959.

Submission:

Labcorp Genetics (formerly Invitae), Labcorp
Classification: Uncertain significance for Autosomal dominant nocturnal frontal lobe epilepsy 5; Developmental and epileptic encephalopathy, 14. Last evaluated: 2024-01-07. Review status: criteria provided, single submitter. Criteria: Invitae Variant Classification Sherloc (09022015). Collection method: clinical testing. Allele origin: germline.
Comment: This sequence change creates a premature translational stop signal (p.Gln1061Cysfs*13) in the KCNT1 gene. It is expected to result in an absent or disrupted protein product. However, the current clinical and genetic evidence is not sufficient to establish whether loss-of-function variants in KCNT1 cause disease. This variant is not present in population databases (gnomAD no frequency). This variant has not been reported in the literature in individuals affected with KCNT1-related conditions. In summary, the available evidence is currently insufficient to determine the role of this variant in disease. Therefore, it has been classified as a Variant of Uncertain Significance.

NM_020822.3(KCNT1):c.3178-7_3180dup

Gene: KCNT1 (potassium sodium-activated channel subfamily T member 1; plus strand). Cytogenetic location: 9q34.3.
Variant type: Duplication.
Coding change: c.3178-7_3180dup on transcript NM_020822.3 (MANE Select); 7 bases into the intron before coding-DNA position 3178 through coding-DNA position 3180, 10 bases duplicated (TGCCCAGTCC; older notation c.3178-7_3180dupTGCCCAGTCC).
Molecular consequence: splice acceptor variant.
Genome position (GRCh38, 1-based): chr9:135,786,190-135,786,199, TGCCCAGTCC duplicated; duplicating any 10 consecutive bases within chr9:135,786,188-135,786,199 gives the same sequence; the c. name uses the placement nearest the transcript's 3' end. VCF-style (leftmost placement, unchanged base first): chr9-135786187-C-CCCTGCCCAGT. GRCh37 (hg19) VCF-style: chr9-138678033-C-CCCTGCCCAGT.
Other names: c.3043-7_3045dup (NM_001272003.2).
Identifiers: ClinVar variation 2929887 (VCV002929887.3), dbSNP rs1482239812, ClinGen allele CA591364922.
Genomic context (GRCh38, chr9:135,786,187, plus strand): 5'-CTGCCCCAAAGCCCGCGACCCTCCCGGCAGCCTCACCCCTCCCCGCCCTGCCCTGCCCTG[C>CCCTGCCCAGT]CCTGCCCAGTCCCAGATCTCGGTGAACGTGGAGGACTGTGAGGACACACGGGAAGTGAAG-3'